The following is an entry in ClinVar:

ClinVar aggregate classification (germline): Uncertain significance (1 of 4 stars; one submission).

Allele frequency attached by ClinVar (database versions not stated): gnomAD exomes below 0.00001.
gnomAD v4.1: 1 of 1,611,100 alleles (0.000062%); highest among the groups gnomAD compares: Non-Finnish European, 0.000085%; no homozygotes.

Submission:

Labcorp Genetics (formerly Invitae), Labcorp
Classification: Uncertain significance. Last evaluated: 2023-11-24. Review status: criteria provided, single submitter. Criteria: Invitae Variant Classification Sherloc (09022015). Collection method: clinical testing. Allele origin: germline.
Comment: This sequence change replaces glycine, which is neutral and non-polar, with valine, which is neutral and non-polar, at codon 317 of the MYLK3 protein (p.Gly317Val). This variant is not present in population databases (gnomAD no frequency). This variant has not been reported in the literature in individuals affected with MYLK3-related conditions. An algorithm developed to predict the effect of missense changes on protein structure and function (PolyPhen-2) suggests that this variant is likely to be tolerated. In summary, the available evidence is currently insufficient to determine the role of this variant in disease. Therefore, it has been classified as a Variant of Uncertain Significance.

NM_182493.3(MYLK3):c.950G>T (p.Gly317Val)

Gene: MYLK3 (myosin light chain kinase 3; minus strand). Cytogenetic location: 16q11.2.
Variant type: single nucleotide variant.
Coding change: c.950G>T on transcript NM_182493.3 (MANE Select); coding-DNA position 950, G replaced by T.
Protein change: p.Gly317Val; replaces glycine 317 with valine.
Molecular consequence: missense variant. On other transcripts: intron variant (1).
Genome position (GRCh38, 1-based): chr16:46,737,762, C>A on the plus strand (G>T on the coding strand, the complement: MYLK3 is on the minus strand). VCF-style: chr16-46737762-C-A. GRCh37 (hg19) VCF-style: chr16-46771674-C-A.
Other names: c.-23+2295G>T (NM_001308301.1); short protein forms G317V.
Identifiers: ClinVar variation 2698676 (VCV002698676.3), dbSNP rs1432443084, ClinGen allele CA395793904.